The following is an entry in ClinVar:

NM_000287.4(PEX6):c.1500_1501del (p.Ala501fs)

Gene: PEX6 (peroxisomal biogenesis factor 6; minus strand). Cytogenetic location: 6p21.1.
Variant type: Microsatellite.
Coding change: c.1500_1501del on transcript NM_000287.4 (MANE Select); coding-DNA positions 1500 to 1501, 2 bases deleted (TG; older notation c.1500_1501delTG).
Protein change: p.Ala501fs; shifts the reading frame from alanine 501.
Molecular consequence: frameshift variant. On other transcripts: non-coding transcript variant (1).
Genome position (GRCh38, 1-based): chr6:42,968,477-42,968,478, CA deleted on the plus strand (TG on the coding strand, the reverse complement: PEX6 is on the minus strand); deleting any 2 consecutive bases within chr6:42,968,477-42,968,480 gives the same sequence; the c. name uses the placement nearest the transcript's 3' end. VCF-style (leftmost placement, unchanged base first): chr6-42968476-GCA-G. GRCh37 (hg19) VCF-style: chr6-42936214-GCA-G.
Other names: c.1236_1237del, p.Ala413fs (NM_001316313.2); short protein forms A413fs, A501fs.
Identifiers: ClinVar variation 2677710 (VCV002677710.2), dbSNP rs2481225707, ClinGen allele CA2678796077.

ClinVar aggregate classification (germline): Pathogenic/Likely pathogenic. Review status: criteria provided, multiple submitters, no conflicts (2 of 4 stars). 2 submissions from 2 submitters: Pathogenic (1); Likely pathogenic (1). Last evaluated 2026-07-18.

Conditions:
Peroxisome biogenesis disorder. Identifiers: Orphanet 79189, MedGen C1832200, MONDO:0019234. Disease mechanism: loss of function.
Heimler syndrome 2 (HMLR2). Also called: PEROXISOME BIOGENESIS DISORDER 4C. Identifiers: Orphanet 3220, MedGen C4225267, OMIM 616617, MONDO:0014709.

Submissions (2):

Myriad Genetics, Inc.
Classification: Pathogenic for Peroxisome biogenesis disorder. Last evaluated: 2026-07-18. Review status: criteria provided, single submitter. Criteria: Myriad Autosomal Dominant, Autosomal Recessive and X-Linked Classification Criteria (2023). Collection method: clinical testing. Allele origin: unknown.
Comment: NM_000287.3(PEX6):c.1500_1501delTG(A501Rfs*3) is expected to be pathogenic in the context of peroxisome biogenesis disorder type 4. This variant is predicted to lead to an abnormal or absent protein product due to the creation of a premature termination codon in PEX6, a gene where loss-of-function variants are known to be pathogenic. Please note: this variant was assessed in the context of healthy population screening.

Baylor Genetics
Classification: Likely pathogenic for Heimler syndrome 2. Last evaluated: 2022-10-15. Review status: criteria provided, single submitter. Criteria: ACMG Guidelines, 2015. Collection method: clinical testing. Allele origin: unknown.